The following is an entry in ClinVar:

ClinVar aggregate classification (germline): Likely benign. Review status: criteria provided, multiple submitters, no conflicts (2 of 4 stars). 2 submissions from 2 submitters: Likely benign (2). Last evaluated 2025-09-24.

Conditions:
Familial Mediterranean fever (FMF). Also called: POLYSEROSITIS, FAMILIAL PAROXYSMAL; POLYSEROSITIS, RECURRENT; Periodic peritonitis; Benign paroxysmal peritonitis. Identifiers: Orphanet 342, MedGen C0031069, MONDO:0018088, OMIM 249100. Disease mechanism: gain of function.

Allele frequency attached by ClinVar (database versions not stated): gnomAD 0.00001.

Submissions (2):

Mayo Clinic Laboratories, Mayo Clinic
Classification: Likely benign. Last evaluated: 2025-09-24. Review status: criteria provided, single submitter. Criteria: ACMG Guidelines, 2015. Collection method: clinical testing. Allele origin: germline. Observed: 1 variant allele.
Comment: BP4, BP7, PM2_supporting

Labcorp Genetics (formerly Invitae), Labcorp
Classification: Likely benign for Familial Mediterranean fever. Last evaluated: 2023-04-09. Review status: criteria provided, single submitter. Criteria: Invitae Variant Classification Sherloc (09022015). Collection method: clinical testing. Allele origin: germline.

NM_000243.3(MEFV):c.117G>A (p.Arg39=)

Gene: MEFV (MEFV innate immunity regulator, pyrin; minus strand). Cytogenetic location: 16p13.3.
Variant type: single nucleotide variant.
Coding change: c.117G>A on transcript NM_000243.3 (MANE Select); coding-DNA position 117, G replaced by A.
Protein change: p.Arg39=; no amino-acid change (arginine 39 retained).
Molecular consequence: synonymous variant.
Genome position (GRCh38, 1-based): chr16:3,256,471, C>T on the plus strand (G>A on the coding strand, the complement: MEFV is on the minus strand). VCF-style: chr16-3256471-C-T. GRCh37 (hg19) VCF-style: chr16-3306471-C-T.
Other names: p.Arg39=; c.117G>A, p.Arg39= (NM_001198536.2).
Identifiers: ClinVar variation 2854431 (VCV002854431.4), dbSNP rs1294852343, ClinGen allele CA493384618.